The following is an entry in ClinVar:

ClinVar aggregate classification (germline): Likely pathogenic. Review status: criteria provided, multiple submitters, no conflicts (2 of 4 stars). 2 submissions from 2 submitters: Likely pathogenic (2). Last evaluated 2025-11-03.

Conditions:
3-methylcrotonyl-CoA carboxylase 2 deficiency. Also called: 3 alpha methylcrotonyl-CoA carboxylase 2 deficiency; 3 alpha methylcrotonylglycinuria 2; MCC 2 deficiency; Methylcrotonylglycinuria type 2; METHYLCROTONYLGLYCINURIA, TYPE II. Identifiers: Orphanet 6, MedGen C1859499, MONDO:0008862, OMIM 210210.

Submissions (2):

Myriad Genetics, Inc.
Classification: Likely pathogenic for 3-methylcrotonyl-CoA carboxylase 2 deficiency. Last evaluated: 2025-11-03. Review status: criteria provided, single submitter. Criteria: Myriad Autosomal Dominant, Autosomal Recessive and X-Linked Classification Criteria (2023). Collection method: clinical testing. Allele origin: unknown.
Comment: NM_022132.4(MCCC2):c.1374-2A>C is a variant in a canonical splice site classified as likely pathogenic in the context of 3-methylcrotonyl-CoA carboxylase deficiency, MCCC2-related. c.1374-2A>C has not been observed in cases with relevant disease. Relevant functional assessments of this variant are not available in the literature. c.1374-2A>C has not been observed in referenced population frequency databases. In summary, NM_022132.4(MCCC2):c.1374-2A>C is a variant in a canonical splice site in a gene where loss of function is a known mechanism of disease and is predicted to disrupt protein function. Please note: this variant was assessed in the context of healthy population screening.

Natera, Inc.
Classification: Likely pathogenic for 3-methylcrotonyl-CoA carboxylase 2 deficiency. Last evaluated: 2024-07-24. Review status: criteria provided, single submitter. Criteria: Natera Variant Classification Schema (03/2026). Collection method: clinical testing. Allele origin: germline.
Comment: The c.1374-2A>C variant in MCCC2 is a canonical splice acceptor site variant predicted to affect pre-mRNA splicing, which may result in an abnormal transcript and altered protein product. This variant is expected to result in nonsense mediated decay, truncation, or a dysfunctional protein product. This variant is rare in the general population with a frequency below the threshold expected for the associated phenotype(s). Given the available evidence, this variant is classified as Likely Pathogenic.

NM_022132.5(MCCC2):c.1374-2A>C

Gene: MCCC2 (methylcrotonyl-CoA carboxylase subunit 2; plus strand). Cytogenetic location: 5q13.2.
Variant type: single nucleotide variant.
Coding change: c.1374-2A>C on transcript NM_022132.5 (MANE Select); the canonical splice acceptor site of the intron before coding-DNA position 1374, A replaced by C.
Molecular consequence: splice acceptor variant.
Genome position (GRCh38, 1-based): chr5:71,650,067, A>C. VCF-style: chr5-71650067-A-C. GRCh37 (hg19) VCF-style: chr5-70945894-A-C.
Other names: c.1260-2A>C (NM_001363147.1).
Identifiers: ClinVar variation 4816101 (VCV004816101.2).
Genomic context (GRCh38, chr5:71,650,067, plus strand): 5'-GCCTCTGAAAATCTATGTTGTATATTGACTTAATTTGTTTATTCTTCCTTTTCTTCCCCC[A>C]GCCCAAGATTTCTCTACATTTGGCCAAATGCTCGTATCTCAGTGATGGGAGGAGAGCAGG-3'